The following is an entry in ClinVar:

ClinVar aggregate classification (germline): Uncertain significance (1 of 4 stars; one submission).

Conditions:
Hereditary cancer-predisposing syndrome. Also called: Neoplastic Syndromes, Hereditary; Tumor predisposition; Hereditary neoplastic syndrome; Hereditary Cancer Syndrome. Identifiers: Orphanet 140162, MedGen C0027672, MeSH D009386, MONDO:0015356.

Submission:

Ambry Genetics
Classification: Uncertain significance for Hereditary cancer-predisposing syndrome. Last evaluated: 2023-01-20. Review status: criteria provided, single submitter. Criteria: Ambry Variant Classification Scheme 2023. Collection method: clinical testing. Allele origin: germline.
Comment: The p.S626R variant (also known as c.1878T>G), located in coding exon 6 of the AXIN2 gene, results from a T to G substitution at nucleotide position 1878. The serine at codon 626 is replaced by arginine, an amino acid with dissimilar properties. This amino acid position is not well conserved in available vertebrate species. In addition, this alteration is predicted to be tolerated by in silico analysis. Since supporting evidence is limited at this time, the clinical significance of this alteration remains unclear.

NM_004655.4(AXIN2):c.1878T>G (p.Ser626Arg)

Gene: AXIN2 (axin 2; minus strand). Cytogenetic location: 17q24.1.
Variant type: single nucleotide variant.
Coding change: c.1878T>G on transcript NM_004655.4 (MANE Select); coding-DNA position 1878, T replaced by G.
Protein change: p.Ser626Arg; replaces serine 626 with arginine.
Molecular consequence: missense variant. On other transcripts: intron variant (1).
Genome position (GRCh38, 1-based): chr17:65,536,898, A>C on the plus strand (T>G on the coding strand, the complement: AXIN2 is on the minus strand). VCF-style: chr17-65536898-A-C. GRCh37 (hg19) VCF-style: chr17-63533016-A-C.
Other names: c.1713-345T>G (NM_001363813.1); short protein forms S626R.
Identifiers: ClinVar variation 2451660 (VCV002451660.2), dbSNP rs767756290, ClinGen allele CA400676429.
Genomic context (GRCh38, chr17:65,536,898, plus strand): 5'-CGCGGCCGCGGCGGCGGCAAGCGGTGTTTACCTATGGGGCTTGGGCTTGCTCTGCCGCTC[A>C]CTCTCCAGCATCCACTGCCAGACATCCTGCGACCTGTCTCCTTCCTCCCGGGGAAGCTGC-3'
Protein context (NP_004646.3, residues 616-636): SQDVWQWMLE[Ser626Arg]ERQSKPKPHS